The following is an entry in ClinVar:

ClinVar aggregate classification (germline): Uncertain significance. Review status: criteria provided, multiple submitters, no conflicts (2 of 4 stars). 2 submissions from 2 submitters: Uncertain significance (2). Last evaluated 2025-12-04.

Conditions:
Inborn genetic diseases. Identifiers: MedGen C0950123, MeSH D030342.

Allele frequency attached by ClinVar (database versions not stated): ExAC 0.00002; gnomAD exomes 0.00001.
gnomAD v4.1: 2 of 1,613,684 alleles (0.00012%); highest among the groups gnomAD compares: Non-Finnish European, 0.000085%; no homozygotes.

Submissions (2):

Ambry Genetics
Classification: Uncertain significance for Inborn genetic diseases. Last evaluated: 2025-12-04. Review status: criteria provided, single submitter. Criteria: Ambry Variant Classification Scheme 2023. Collection method: clinical testing. Allele origin: germline.

Labcorp Genetics (formerly Invitae), Labcorp
Classification: Uncertain significance. Last evaluated: 2022-03-03. Review status: criteria provided, single submitter. Criteria: Invitae Variant Classification Sherloc (09022015). Collection method: clinical testing. Allele origin: germline.
Comment: This sequence change replaces threonine, which is neutral and polar, with serine, which is neutral and polar, at codon 544 of the COL7A1 protein (p.Thr544Ser). This variant is present in population databases (rs763775614, gnomAD 0.006%). This variant has not been reported in the literature in individuals affected with COL7A1-related conditions. Advanced modeling of protein sequence and biophysical properties (such as structural, functional, and spatial information, amino acid conservation, physicochemical variation, residue mobility, and thermodynamic stability) performed at Invitae indicates that this missense variant is not expected to disrupt COL7A1 protein function. In summary, the available evidence is currently insufficient to determine the role of this variant in disease. Therefore, it has been classified as a Variant of Uncertain Significance.

NM_000094.4(COL7A1):c.1631C>G (p.Thr544Ser)

Gene: COL7A1 (collagen type VII alpha 1 chain; minus strand). Cytogenetic location: 3p21.31.
Variant type: single nucleotide variant.
Coding change: c.1631C>G on transcript NM_000094.4 (MANE Select); coding-DNA position 1631, C replaced by G.
Protein change: p.Thr544Ser; replaces threonine 544 with serine.
Molecular consequence: missense variant.
Genome position (GRCh38, 1-based): chr3:48,591,469, G>C on the plus strand (C>G on the coding strand, the complement: COL7A1 is on the minus strand). VCF-style: chr3-48591469-G-C. GRCh37 (hg19) VCF-style: chr3-48628902-G-C.
Other names: c.1631C>G (NM_000094.3); short protein forms T544S.
Identifiers: ClinVar variation 1513464 (VCV001513464.6), dbSNP rs763775614, ClinGen allele CA2381165.